The following is an entry in ClinVar:

ClinVar aggregate classification (germline): Pathogenic/Likely pathogenic. Review status: criteria provided, multiple submitters, no conflicts (2 of 4 stars). 3 submissions from 3 submitters: Pathogenic (1); Likely pathogenic (1). 1 of the submissions does not count toward it. Last evaluated 2022-11-17.

Conditions:
Infantile-onset ascending hereditary spastic paralysis (IAHSP). Also called: Autosomal Recessive Juvenile Amyotrophic Lateral Sclerosis; Infantile-Onset Ascending Hereditary Spastic Paralysis (IAHSP). Identifiers: Orphanet 293168, MedGen C2931441, MONDO:0011797, OMIM 607225. Disease mechanism: loss of function.

Allele frequency attached by ClinVar (database versions not stated): TOPMed below 0.00001; gnomAD exomes below 0.00001.
gnomAD v4.1: 4 of 1,611,538 alleles (0.00025%); highest among the groups gnomAD compares: East Asian, 0.0022%; no homozygotes.

Submissions (3):

Laboratory Cellgenetics, GMDL Cellgenetics
Classification: Pathogenic for Infantile-onset ascending hereditary spastic paralysis. Last evaluated: 2022-11-17. Review status: criteria provided, single submitter. Criteria: ACMG Guidelines, 2015. Collection method: clinical testing. Allele origin: inherited. Inheritance: Autosomal recessive inheritance. Affected: yes. Observed: 1 homozygote.
Comment: The variant ALS2:c.3703-2A>G was classified as Pathogenic. The classification was assigned based on the following ACMG criteria: PVS1, PM2, PP4, PP5.

Labcorp Genetics (formerly Invitae), Labcorp
Classification: Likely pathogenic for Infantile-onset ascending hereditary spastic paralysis. Last evaluated: 2021-11-26. Review status: criteria provided, single submitter. Criteria: Invitae Variant Classification Sherloc (09022015). Collection method: clinical testing. Allele origin: germline.
Comment: This variant is not present in population databases (gnomAD no frequency). This sequence change affects an acceptor splice site in intron 23 of the ALS2 gene. It is expected to disrupt RNA splicing. Variants that disrupt the donor or acceptor splice site typically lead to a loss of protein function (PMID: 16199547), and loss-of-function variants in ALS2 are known to be pathogenic (PMID: 11586298, 24315819). This variant has not been reported in the literature in individuals affected with ALS2-related conditions. Algorithms developed to predict the effect of sequence changes on RNA splicing suggest that this variant may disrupt the consensus splice site. In summary, the currently available evidence indicates that the variant is pathogenic, but additional data are needed to prove that conclusively. Therefore, this variant has been classified as Likely Pathogenic.

Hong-Tao Li Lab, Institute of Brain Science and Brain-inspired Research, Shandong First Medical University & Shandong Academy of Medical Sciences China
Classification: Pathogenic for Infantile-onset ascending hereditary spastic paralysis. Review status: no assertion criteria provided. Collection method: research. Allele origin: germline. Inheritance: Autosomal recessive inheritance. Affected: yes. Observed: 1 variant allele, 1 homozygote. Not counted in ClinVar's aggregate classification.
Comment: Observed in affected individuals from a Pakistani neurodevelopmental-disorder research cohort of 263 individuals. Classification assigned using the ACMG/AMP framework.

Literature cited by the submitters: PubMed 16199547 (cited by Labcorp Genetics (formerly Invitae), Labcorp); PubMed 11586298 (cited by Labcorp Genetics (formerly Invitae), Labcorp); PubMed 24315819 (cited by Labcorp Genetics (formerly Invitae), Labcorp).

NM_020919.4(ALS2):c.3703-2A>G

Gene: ALS2 (alsin Rho guanine nucleotide exchange factor ALS2; minus strand). Cytogenetic location: 2q33.1.
Variant type: single nucleotide variant.
Coding change: c.3703-2A>G on transcript NM_020919.4 (MANE Select); the canonical splice acceptor site of the intron before coding-DNA position 3703, A replaced by G.
Molecular consequence: splice acceptor variant.
Genome position (GRCh38, 1-based): chr2:201,718,212, T>C on the plus strand (A>G on the coding strand, the complement: ALS2 is on the minus strand). VCF-style: chr2-201718212-T-C. GRCh37 (hg19) VCF-style: chr2-202582935-T-C.
Other names: c.3703-2A>G (NM_001410975.1).
Identifiers: ClinVar variation 1482490 (VCV001482490.8), dbSNP rs1690532210, ClinGen allele CA350318351.